The following is an entry in ClinVar:

NM_001035.3(RYR2):c.57A>T (p.Glu19Asp)

Gene: RYR2 (ryanodine receptor 2; plus strand). Cytogenetic location: 1q43.
Variant type: single nucleotide variant.
Coding change: c.57A>T on transcript NM_001035.3 (MANE Select); coding-DNA position 57, A replaced by T.
Protein change: p.Glu19Asp; replaces glutamic acid 19 with aspartic acid.
Molecular consequence: missense variant.
Genome position (GRCh38, 1-based): chr1:237,270,505, A>T. VCF-style: chr1-237270505-A-T. GRCh37 (hg19) VCF-style: chr1-237433805-A-T.
Other names: short protein forms E19D.
Identifiers: ClinVar variation 4758915 (VCV004758915.1).

ClinVar aggregate classification (germline): Uncertain significance (1 of 4 stars; one submission).

Conditions:
Cardiomyopathy (CMYO). Also called: Cardiomyopathies. Identifiers: Orphanet 167848, MedGen C0878544, MONDO:0004994, HP:0001638. Inheritance: Various modes of inheritance.

Submission:

Color Diagnostics, LLC DBA Color Health
Classification: Uncertain significance for Cardiomyopathy. Last evaluated: 2025-07-08. Review status: criteria provided, single submitter. Criteria: ACMG Guidelines, 2015. Collection method: clinical testing. Allele origin: germline.
Comment: This missense variant replaces glutamic acid with aspartic acid at codon 19 of the RYR2 protein. Computational prediction is inconclusive regarding the impact of this variant on protein structure and function. To our knowledge, functional studies have not been reported for this variant. This variant has not been reported in individuals affected with RYR2-related disorders in the literature. This variant has not been identified in the general population by the Genome Aggregation Database (gnomAD). The available evidence is insufficient to determine the role of this variant in disease conclusively. Therefore, this variant is classified as a Variant of Uncertain Significance.